The following is an entry in ClinVar:

NM_001012750.3(ABI1):c.792T>C (p.Pro264=)

Gene: ABI1 (abl interactor 1; minus strand). Cytogenetic location: 10p12.1.
Variant type: single nucleotide variant.
Coding change: c.792T>C on transcript NM_001012750.3 (MANE Select); coding-DNA position 792, T replaced by C.
Protein change: p.Pro264=; no amino-acid change (proline 264 retained).
Molecular consequence: synonymous variant. On other transcripts: non-coding transcript variant (1).
Genome position (GRCh38, 1-based): chr10:26,765,246, A>G on the plus strand (T>C on the coding strand, the complement: ABI1 is on the minus strand). VCF-style: chr10-26765246-A-G. GRCh37 (hg19) VCF-style: chr10-27054175-A-G.
Other names: c.792T>C, p.Pro264= (NM_001012751.3, NM_001178119.2, NM_001178120.2 and 8 more transcripts); c.777T>C, p.Pro259= (NM_001012752.3, NM_001178121.2, NM_001178124.2 and 2 more transcripts); c.843T>C, p.Pro281= (NM_001178116.2); c.600T>C, p.Pro200= (NM_001178125.2).
Identifiers: ClinVar variation 2640369 (VCV002640369.24), dbSNP rs781477958, ClinGen allele CA5447369.

ClinVar aggregate classification (germline): Likely benign (1 of 4 stars; one submission).

Allele frequency attached by ClinVar (database versions not stated): TOPMed below 0.00001; ExAC 0.00002; gnomAD exomes 0.00002.

Submission:

CeGaT Center for Human Genetics Tuebingen
Classification: Likely benign. Last evaluated: 2022-07-01. Review status: criteria provided, single submitter. Criteria: CeGaT Center For Human Genetics Tuebingen Variant Classification Criteria Version 2. Collection method: clinical testing. Allele origin: germline. Affected: yes. Observed: 1 variant allele.
Comment: ABI1: BP4, BP7